The following is an entry in ClinVar:

NM_144991.3(TSPEAR):c.1770G>A (p.Glu590=)

Gene: TSPEAR (thrombospondin type laminin G domain and EAR repeats; minus strand). Cytogenetic location: 21q22.3.
Variant type: single nucleotide variant.
Coding change: c.1770G>A on transcript NM_144991.3 (MANE Select); coding-DNA position 1770, G replaced by A.
Protein change: p.Glu590=; no amino-acid change (glutamic acid 590 retained).
Molecular consequence: synonymous variant.
Genome position (GRCh38, 1-based): chr21:44,504,866, C>T on the plus strand (G>A on the coding strand, the complement: TSPEAR is on the minus strand). VCF-style: chr21-44504866-C-T. GRCh37 (hg19) VCF-style: chr21-45924749-C-T.
Other names: c.1566G>A, p.Glu522= (NM_001272037.2).
Identifiers: ClinVar variation 2652757 (VCV002652757.24), dbSNP rs781829264, ClinGen allele CA10056332.

ClinVar aggregate classification (germline): Likely benign (1 of 4 stars; one submission).

Allele frequency attached by ClinVar (database versions not stated): TOPMed below 0.00001; gnomAD 0.00001; gnomAD exomes 0.00002; ExAC 0.00003.
gnomAD v4.1: 28 of 1,613,636 alleles (0.0017%); highest among the groups gnomAD compares: Non-Finnish European, 0.0024%; no homozygotes.

Submission:

CeGaT Center for Human Genetics Tuebingen
Classification: Likely benign. Last evaluated: 2022-08-01. Review status: criteria provided, single submitter. Criteria: CeGaT Center For Human Genetics Tuebingen Variant Classification Criteria Version 2. Collection method: clinical testing. Allele origin: germline. Affected: yes. Observed: 1 variant allele.
Comment: TSPEAR: BP4, BP7